The following is an entry in ClinVar:

NM_005392.4(PHF2):c.2749C>T (p.Gln917Ter)

Gene: PHF2 (PHD finger protein 2; plus strand). Cytogenetic location: 9q22.31.
Variant type: single nucleotide variant.
Coding change: c.2749C>T on transcript NM_005392.4 (MANE Select); coding-DNA position 2749, C replaced by T.
Protein change: p.Gln917Ter; replaces glutamine 917 with a stop codon.
Molecular consequence: nonsense.
Genome position (GRCh38, 1-based): chr9:93,675,706, C>T. VCF-style: chr9-93675706-C-T. GRCh37 (hg19) VCF-style: chr9-96437988-C-T.
Other names: short protein forms Q917*.
Identifiers: ClinVar variation 1676525 (VCV001676525.3), dbSNP rs1826897308, ClinGen allele CA374082611.

ClinVar aggregate classification (germline): Likely pathogenic (1 of 4 stars; one submission).

Submission:

Greenwood Genetic Center Diagnostic Laboratories, Greenwood Genetic Center
Classification: Likely pathogenic. Last evaluated: 2022-01-14. Review status: criteria provided, single submitter. Criteria: ACMG Guidelines, 2015. Collection method: clinical testing. Allele origin: germline. Affected: yes.
Comment: PS2, PS4_Moderate, PM2